The following is an entry in ClinVar:

ClinVar aggregate classification (germline): Uncertain significance. Review status: criteria provided, multiple submitters, no conflicts (2 of 4 stars). 2 submissions from 2 submitters: Uncertain significance (2). Last evaluated 2022-08-23.

Allele frequency attached by ClinVar (database versions not stated): gnomAD 0.00002; TOPMed 0.00002; ExAC 0.00005; gnomAD exomes 0.00005.
gnomAD v4.1: 18 of 1,592,280 alleles (0.0011%); highest among the groups gnomAD compares: East Asian, 0.034%; no homozygotes.

Submissions (2):

Labcorp Genetics (formerly Invitae), Labcorp
Classification: Uncertain significance. Last evaluated: 2022-08-23. Review status: criteria provided, single submitter. Criteria: Invitae Variant Classification Sherloc (09022015). Collection method: clinical testing. Allele origin: germline.
Comment: This sequence change replaces lysine, which is basic and polar, with methionine, which is neutral and non-polar, at codon 131 of the CNGA1 protein (p.Lys131Met). The frequency data for this variant in the population databases is considered unreliable, as metrics indicate poor data quality at this position in the gnomAD database. This variant has not been reported in the literature in individuals affected with CNGA1-related conditions. ClinVar contains an entry for this variant (Variation ID: 943041). Algorithms developed to predict the effect of missense changes on protein structure and function are either unavailable or do not agree on the potential impact of this missense change (SIFT: "Tolerated"; PolyPhen-2: "Possibly Damaging"; Align-GVGD: "Class C0"). In summary, the available evidence is currently insufficient to determine the role of this variant in disease. Therefore, it has been classified as a Variant of Uncertain Significance.

Blueprint Genetics
Classification: Uncertain significance. Last evaluated: 2020-06-16. Review status: criteria provided, single submitter. Criteria: ACMG Guidelines, 2015. Collection method: clinical testing. Allele origin: germline.

NM_001379270.1(CNGA1):c.380A>T (p.Lys127Met)

Genes: CNGA1 (cyclic nucleotide gated channel subunit alpha 1; minus strand), LOC101927157 (uncharacterized LOC101927157; plus strand). Cytogenetic location: 4p12.
Variant type: single nucleotide variant.
Coding change: c.380A>T on transcript NM_001379270.1 (MANE Select); coding-DNA position 380, A replaced by T.
Protein change: p.Lys127Met; replaces lysine 127 with methionine.
Molecular consequence: missense variant.
Genome position (GRCh38, 1-based): chr4:47,943,238, T>A on the plus strand (A>T on the coding strand, the complement: CNGA1 is on the minus strand). VCF-style: chr4-47943238-T-A. GRCh37 (hg19) VCF-style: chr4-47945255-T-A.
Other names: c.380A>T, p.Lys127Met (NM_000087.5, NM_001142564.2); short protein forms K127M.
Identifiers: ClinVar variation 943041 (VCV000943041.8), dbSNP rs773862362, ClinGen allele CA2911301.